The following is an entry in ClinVar:

ClinVar aggregate classification (germline): Benign/Likely benign. Review status: criteria provided, multiple submitters, no conflicts (2 of 4 stars). 3 submissions from 3 submitters: Benign (1); Likely benign (1). 1 of the submissions does not count toward it. Last evaluated 2026-02-02.

Conditions:
ALG1-congenital disorder of glycosylation. Also called: ALG1-CDG; CONGENITAL DISORDER OF GLYCOSYLATION, TYPE Ik; CDG Ik. Identifiers: Orphanet 79327, MedGen C2931005, MONDO:0012052, OMIM 608540.
Inborn genetic diseases. Identifiers: MedGen C0950123, MeSH D030342.
ALG1-related disorder. Also called: ALG1-related condition.

Allele frequency attached by ClinVar (database versions not stated): gnomAD 0.00007 and 0.00009; gnomAD exomes 0.00015 and 0.00032; TOPMed 0.00015; 1000 Genomes Project 0.00020; ExAC 0.00023; 1000 Genomes Project 30x 0.00031.
gnomAD v4.1: 103 of 1,611,620 alleles (0.0064%); highest among the groups gnomAD compares: Admixed American, 0.17%; 2 homozygotes.

Submissions (3):

Labcorp Genetics (formerly Invitae), Labcorp
Classification: Benign for ALG1-congenital disorder of glycosylation. Last evaluated: 2026-02-02. Review status: criteria provided, single submitter. Criteria: Invitae Variant Classification Sherloc (09022015). Collection method: clinical testing. Allele origin: germline.

Ambry Genetics
Classification: Likely benign for Inborn genetic diseases. Last evaluated: 2024-07-22. Review status: criteria provided, single submitter. Criteria: Ambry Variant Classification Scheme 2023. Collection method: clinical testing. Allele origin: germline.

PreventionGenetics, part of Exact Sciences
Classification: Likely benign for ALG1-related condition. Last evaluated: 2024-07-11. Review status: no assertion criteria provided. Collection method: clinical testing. Allele origin: germline. Not counted in ClinVar's aggregate classification.
Comment: This variant is classified as likely benign based on ACMG/AMP sequence variant interpretation guidelines (Richards et al. 2015 PMID: 25741868, with internal and published modifications).

NM_019109.5(ALG1):c.1179C>G (p.Asn393Lys)

Gene: ALG1 (ALG1 chitobiosyldiphosphodolichol beta-mannosyltransferase; plus strand). Cytogenetic location: 16p13.3.
Variant type: single nucleotide variant.
Coding change: c.1179C>G on transcript NM_019109.5 (MANE Select); coding-DNA position 1179, C replaced by G.
Protein change: p.Asn393Lys; replaces asparagine 393 with lysine.
Molecular consequence: missense variant.
Genome position (GRCh38, 1-based): chr16:5,082,665, C>G. VCF-style: chr16-5082665-C-G. GRCh37 (hg19) VCF-style: chr16-5132666-C-G.
Other names: c.846C>G, p.Asn282Lys (NM_001330504.2); short protein forms N393K, N282K.
Identifiers: ClinVar variation 707764 (VCV000707764.12), dbSNP rs537333921, ClinGen allele CA7890245.
Genomic context (GRCh38, chr16:5,082,665, plus strand): 5'-GGACCTGCCCATGAAGGTGGTGGACATGTTCGGGTGCTGTTTGCCTGTGTGTGCTGTGAA[C>G]TTCAAGTGGTAGGAGCAGAACCCAAATCCTTCTGGGGATAGCTTTGCAGATCCACCGCTG-3'
Protein context (NP_061982.3, residues 383-403): FGCCLPVCAV[Asn393Lys]FKCLHELVKH